The following is an entry in ClinVar:

NM_033380.3(COL4A5):c.4892G>A (p.Arg1631His)

Gene: COL4A5 (collagen type IV alpha 5 chain; plus strand). Cytogenetic location: Xq22.3.
Variant type: single nucleotide variant.
Coding change: c.4892G>A on transcript NM_033380.3 (MANE Select); coding-DNA position 4892, G replaced by A.
Protein change: p.Arg1631His; replaces arginine 1631 with histidine.
Molecular consequence: missense variant.
Genome position (GRCh38, 1-based): chrX:108,695,337, G>A. VCF-style: chrX-108695337-G-A. GRCh37 (hg19) VCF-style: chrX-107938567-G-A.
Other names: c.4874G>A, p.Arg1625His (NM_000495.5); c.4874G>A (NM_000495.3, NM_000495.4); short protein forms R1625H, R1631H.
Identifiers: ClinVar variation 2691536 (VCV002691536.6), dbSNP rs372369187, ClinGen allele CA10489443.

ClinVar aggregate classification (germline): Uncertain significance. Review status: criteria provided, multiple submitters, no conflicts (2 of 4 stars). 4 submissions from 4 submitters: Uncertain significance (3). 1 of the submissions does not count toward it. Last evaluated 2024-11-28.

Conditions:
Inborn genetic diseases. Identifiers: MedGen C0950123, MeSH D030342.
COL4A5-related disorder. Also called: COL4A5-related condition.

Allele frequency attached by ClinVar (database versions not stated): gnomAD 0.00001; gnomAD exomes 0.00001; TOPMed 0.00002; ExAC 0.00005; ESP Exome Variant Server 0.00009.
gnomAD v4.1: 18 of 1,209,460 alleles (0.0015%); highest among the groups gnomAD compares: Non-Finnish European, 0.0017%; no homozygotes.

Submissions (4):

Ambry Genetics
Classification: Uncertain significance for Inborn genetic diseases. Last evaluated: 2024-11-28. Review status: criteria provided, single submitter. Criteria: Ambry Variant Classification Scheme 2023. Collection method: clinical testing. Allele origin: germline.

Labcorp Genetics (formerly Invitae), Labcorp
Classification: Uncertain significance. Last evaluated: 2024-06-02. Review status: criteria provided, single submitter. Criteria: Invitae Variant Classification Sherloc (09022015). Collection method: clinical testing. Allele origin: germline.
Comment: This sequence change replaces arginine, which is basic and polar, with histidine, which is basic and polar, at codon 1625 of the COL4A5 protein (p.Arg1625His). This variant is present in population databases (rs372369187, gnomAD 0.005%). This variant has not been reported in the literature in individuals affected with COL4A5-related conditions. Advanced modeling of protein sequence and biophysical properties (such as structural, functional, and spatial information, amino acid conservation, physicochemical variation, residue mobility, and thermodynamic stability) performed at Invitae indicates that this missense variant is expected to disrupt COL4A5 protein function with a positive predictive value of 95%. In summary, the available evidence is currently insufficient to determine the role of this variant in disease. Therefore, it has been classified as a Variant of Uncertain Significance.

Women's Health and Genetics/Laboratory Corporation of America, LabCorp
Classification: Uncertain significance. Last evaluated: 2023-12-08. Review status: criteria provided, single submitter. Criteria: LabCorp Variant Classification Summary - May 2015. Collection method: clinical testing. Allele origin: germline.
Comment: Variant summary: COL4A5 c.4874G>A (p.Arg1625His) results in a non-conservative amino acid change located in the Collagen IV, non-collagenous (IPR001442) of the encoded protein sequence. Five of five in-silico tools predict a damaging effect of the variant on protein function. The variant allele was found at a frequency of 2.2e-05 in 183209 control chromosomes. The available data on variant occurrences in the general population are insufficient to allow any conclusion about variant significance. To our knowledge, no occurrence of c.4874G>A in individuals affected with Alport Syndrome 1, X-Linked Recessive and no experimental evidence demonstrating its impact on protein function have been reported. No submitters have cited clinical-significance assessments for this variant to ClinVar after 2014. Based on the evidence outlined above, the variant was classified as uncertain significance.

PreventionGenetics, part of Exact Sciences
Classification: Uncertain significance for COL4A5-related condition. Last evaluated: 2023-12-20. Review status: no assertion criteria provided. Collection method: clinical testing. Allele origin: germline. Not counted in ClinVar's aggregate classification.
Comment: The COL4A5 c.4874G>A variant is predicted to result in the amino acid substitution p.Arg1625His. To our knowledge, this variant has not been reported in the literature. This variant is reported in 0.0049% of alleles in individuals of European (Non-Finnish) descent in gnomAD. At this time, the clinical significance of this variant is uncertain due to the absence of conclusive functional and genetic evidence.